The following is an entry in ClinVar:

NM_199355.4(ADAMTS18):c.2558G>C (p.Gly853Ala)

Gene: ADAMTS18 (ADAM metallopeptidase with thrombospondin type 1 motif 18; minus strand). Cytogenetic location: 16q23.1.
Variant type: single nucleotide variant.
Coding change: c.2558G>C on transcript NM_199355.4 (MANE Select); coding-DNA position 2558, G replaced by C.
Protein change: p.Gly853Ala; replaces glycine 853 with alanine.
Molecular consequence: missense variant.
Genome position (GRCh38, 1-based): chr16:77,300,379, C>G on the plus strand (G>C on the coding strand, the complement: ADAMTS18 is on the minus strand). VCF-style: chr16-77300379-C-G. GRCh37 (hg19) VCF-style: chr16-77334276-C-G.
Other names: c.2042G>C, p.Gly681Ala (NM_001326358.2); short protein forms G853A, G681A.
Identifiers: ClinVar variation 852751 (VCV000852751.8), dbSNP rs1188495884, ClinGen allele CA396823798.

ClinVar aggregate classification (germline): Uncertain significance (1 of 4 stars; one submission).

Allele frequency attached by ClinVar (database versions not stated): gnomAD exomes below 0.00001; TOPMed below 0.00001.

Submission:

Labcorp Genetics (formerly Invitae), Labcorp
Classification: Uncertain significance. Last evaluated: 2022-02-10. Review status: criteria provided, single submitter. Criteria: Invitae Variant Classification Sherloc (09022015). Collection method: clinical testing. Allele origin: germline.
Comment: In summary, the available evidence is currently insufficient to determine the role of this variant in disease. Therefore, it has been classified as a Variant of Uncertain Significance. Algorithms developed to predict the effect of missense changes on protein structure and function are either unavailable or do not agree on the potential impact of this missense change (SIFT: "Not Available"; PolyPhen-2: "Probably Damaging"; Align-GVGD: "Not Available"). ClinVar contains an entry for this variant (Variation ID: 852751). This variant has not been reported in the literature in individuals affected with ADAMTS18-related conditions. This variant is present in population databases (no rsID available, gnomAD 0.003%). This sequence change replaces glycine, which is neutral and non-polar, with alanine, which is neutral and non-polar, at codon 853 of the ADAMTS18 protein (p.Gly853Ala).